The following is an entry in ClinVar:

NM_000504.4(F10):c.1032C>T (p.Pro344=)

Genes: F10 (coagulation factor X; plus strand), F10-AS2 (F10 antisense RNA 2; minus strand). Cytogenetic location: 13q34.
Variant type: single nucleotide variant.
Coding change: c.1032C>T on transcript NM_000504.4 (MANE Select); coding-DNA position 1032, C replaced by T.
Protein change: p.Pro344=; no amino-acid change (proline 344 retained).
Molecular consequence: synonymous variant. On other transcripts: 3 prime UTR variant (1).
Genome position (GRCh38, 1-based): chr13:113,149,082, C>T. VCF-style: chr13-113149082-C-T. GRCh37 (hg19) VCF-style: chr13-113803396-C-T.
Other names: c.900C>T, p.Pro300= (NM_001312674.2); c.*23C>T (NM_001312675.2).
Identifiers: ClinVar variation 883936 (VCV000883936.32), dbSNP rs41286610, ClinGen allele CA7060667.

ClinVar aggregate classification (germline): Conflicting classifications of pathogenicity. Review status: criteria provided, conflicting classifications (1 of 4 stars). 3 submissions from 3 submitters: Uncertain significance (1); Likely benign (2). Last evaluated 2024-11-22.

Conditions:
Hereditary factor X deficiency disease. Also called: Congenital factor X deficiency; STUART-PROWER FACTOR DEFICIENCY. Identifiers: Orphanet 328, MedGen C0272327, MONDO:0009212, OMIM 227600.

Allele frequency attached by ClinVar (database versions not stated): 1000 Genomes Project 0.00040; 1000 Genomes Project 30x 0.00062; TOPMed 0.00083; gnomAD exomes 0.00089; ESP Exome Variant Server 0.00092; gnomAD 0.00103 and 0.00106; ExAC 0.00105.
gnomAD v4.1: 2,263 of 1,613,262 alleles (0.14%); highest among the groups gnomAD compares: Non-Finnish European, 0.17%; 3 homozygotes.

Submissions (3):

Blueprint Genetics
Classification: Likely benign. Last evaluated: 2024-11-22. Review status: criteria provided, single submitter. Criteria: ACMG Guidelines, 2015. Collection method: clinical testing. Allele origin: germline.

CeGaT Center for Human Genetics Tuebingen
Classification: Likely benign. Last evaluated: 2023-07-01. Review status: criteria provided, single submitter. Criteria: CeGaT Center For Human Genetics Tuebingen Variant Classification Criteria Version 2. Collection method: clinical testing. Allele origin: germline. Affected: yes. Observed: 1 variant allele.
Comment: F10: BP4, BP7

Illumina Laboratory Services, Illumina
Classification: Uncertain significance for Hereditary factor X deficiency disease. Last evaluated: 2018-01-13. Review status: criteria provided, single submitter. Criteria: ICSL Variant Classification Criteria 13 December 2019. Collection method: clinical testing. Allele origin: germline.